The following is an entry in ClinVar:

NM_012335.4(MYO1F):c.753C>T (p.Ser251=)

Gene: MYO1F (myosin IF; minus strand). Cytogenetic location: 19p13.2.
Variant type: single nucleotide variant.
Coding change: c.753C>T on transcript NM_012335.4 (MANE Select); coding-DNA position 753, C replaced by T.
Protein change: p.Ser251=; no amino-acid change (serine 251 retained).
Molecular consequence: synonymous variant.
Genome position (GRCh38, 1-based): chr19:8,551,758, G>A on the plus strand (C>T on the coding strand, the complement: MYO1F is on the minus strand). VCF-style: chr19-8551758-G-A. GRCh37 (hg19) VCF-style: chr19-8616642-G-A.
Other names: c.753C>T, p.Ser251= (NM_001348355.2).
Identifiers: ClinVar variation 681876 (VCV000681876.1), dbSNP rs201910417, ClinGen allele CA9159560.

ClinVar aggregate classification (germline): Likely benign (1 of 4 stars; one submission).

Allele frequency attached by ClinVar (database versions not stated): ExAC 0.00001; gnomAD exomes 0.00006; TOPMed 0.00006.
gnomAD v4.1: 46 of 1,614,006 alleles (0.0029%); highest among the groups gnomAD compares: Admixed American, 0.03%; 1 homozygote.

Submission:

GeneDx
Classification: Likely benign. Last evaluated: 2018-04-17. Review status: criteria provided, single submitter. Criteria: GeneDx Variant Classification (06012015). Collection method: clinical testing. Allele origin: germline. Affected: yes.
Comment: This variant is considered likely benign or benign based on one or more of the following criteria: it is a conservative change, it occurs at a poorly conserved position in the protein, it is predicted to be benign by multiple in silico algorithms, and/or has population frequency not consistent with disease.